The following is an entry in ClinVar:

NM_000260.4(MYO7A):c.3532del (p.Gln1178fs)

Gene: MYO7A (myosin VIIA; plus strand). Cytogenetic location: 11q13.5.
Variant type: Deletion.
Coding change: c.3532del on transcript NM_000260.4 (MANE Select); coding-DNA position 3532, one base deleted (C; older notation c.3532delC).
Protein change: p.Gln1178fs; shifts the reading frame from glutamine 1178.
Molecular consequence: frameshift variant.
Genome position (GRCh38, 1-based): chr11:77,189,372, C deleted. VCF-style (leftmost placement, unchanged base first): chr11-77189371-GC-G. GRCh37 (hg19) VCF-style: chr11-76900416-GC-G.
Other names: c.3532del, p.Gln1178fs (NM_001127180.2); c.3499del, p.Gln1167fs (NM_001369365.1); short protein forms Q1167fs, Q1178fs.
Identifiers: ClinVar variation 43209 (VCV000043209.11), dbSNP rs111033239, ClinGen allele CA278650.
Genomic context (GRCh38, chr11:77,189,371, plus strand): 5'-GATTCCCCCTCCCTTGCCCTGCTGCCTGCCCAGGGACGAGATCTACTGCCAGATCAGCAA[GC>G]AGCTGACCCACAACCCCTCCAAGAGCAGCTATGCCCGGGGCTGGATTCTCGTGTCTCTCT-3'

ClinVar aggregate classification (germline): Pathogenic/Likely pathogenic. Review status: criteria provided, multiple submitters, no conflicts (2 of 4 stars). 2 submissions from 2 submitters: Pathogenic (1); Likely pathogenic (1). Last evaluated 2021-02-01.

Conditions:
Rare genetic deafness. Identifiers: Orphanet 96210, MedGen C5680250.

Allele frequency attached by ClinVar (database versions not stated): gnomAD exomes below 0.00001.

Submissions (2):

Labcorp Genetics (formerly Invitae), Labcorp
Classification: Pathogenic. Last evaluated: 2021-02-01. Review status: criteria provided, single submitter. Criteria: Invitae Variant Classification Sherloc (09022015). Collection method: clinical testing. Allele origin: germline.
Comment: This variant has not been reported in the literature in individuals with MYO7A-related conditions. ClinVar contains an entry for this variant (Variation ID: 43209). For these reasons, this variant has been classified as Pathogenic. This variant is not present in population databases (ExAC no frequency). This sequence change creates a premature translational stop signal (p.Gln1178Serfs*2) in the MYO7A gene. It is expected to result in an absent or disrupted protein product. Loss-of-function variants in MYO7A are known to be pathogenic (PMID: 8900236, 25404053).

Laboratory for Molecular Medicine, Mass General Brigham Personalized Medicine
Classification: Likely pathogenic for Rare genetic deafness. Last evaluated: 2008-03-01. Review status: criteria provided, single submitter. Criteria: LMM Criteria. Collection method: clinical testing. Allele origin: germline. Observed: 1 variant allele.

Literature cited by the submitters: PubMed 8900236 (cited by Labcorp Genetics (formerly Invitae), Labcorp); PubMed 25404053 (cited by Labcorp Genetics (formerly Invitae), Labcorp).